The following is an entry in ClinVar:

NM_000435.3(NOTCH3):c.2682C>T (p.Asn894=)

Gene: NOTCH3 (notch receptor 3; minus strand). Cytogenetic location: 19p13.12.
Variant type: single nucleotide variant.
Coding change: c.2682C>T on transcript NM_000435.3 (MANE Select); coding-DNA position 2682, C replaced by T.
Protein change: p.Asn894=; no amino-acid change (asparagine 894 retained).
Molecular consequence: synonymous variant.
Genome position (GRCh38, 1-based): chr19:15,181,686, G>A on the plus strand (C>T on the coding strand, the complement: NOTCH3 is on the minus strand). VCF-style: chr19-15181686-G-A. GRCh37 (hg19) VCF-style: chr19-15292497-G-A.
Identifiers: ClinVar variation 447815 (VCV000447815.13), dbSNP rs138245070, ClinGen allele CA9263308.

ClinVar aggregate classification (germline): Benign/Likely benign. Review status: criteria provided, multiple submitters, no conflicts (2 of 4 stars). 4 submissions from 4 submitters: Benign (2); Likely benign (2). Last evaluated 2026-04-01.

Allele frequency attached by ClinVar (database versions not stated): gnomAD 0.00107 and 0.00095; TOPMed 0.00121; 1000 Genomes Project 30x 0.00172; gnomAD exomes 0.00008 and 0.00023; ExAC 0.00019; ESP Exome Variant Server 0.00046; 1000 Genomes Project 0.00100.

Submissions (4):

CeGaT Center for Human Genetics Tuebingen
Classification: Likely benign. Last evaluated: 2026-04-01. Review status: criteria provided, single submitter. Criteria: CeGaT Center For Human Genetics Tuebingen Variant Classification Criteria Version 2. Collection method: clinical testing. Allele origin: germline. Affected: yes. Observed: 1 variant allele.
Comment: NOTCH3: BP4, BP7

Labcorp Genetics (formerly Invitae), Labcorp
Classification: Benign. Last evaluated: 2026-01-27. Review status: criteria provided, single submitter. Criteria: Invitae Variant Classification Sherloc (09022015). Collection method: clinical testing. Allele origin: germline.

Athena Diagnostics
Classification: Benign. Last evaluated: 2025-10-28. Review status: criteria provided, single submitter. Criteria: Athena Diagnostics Criteria. Collection method: clinical testing. Allele origin: unknown.
Comment: The frequency of this variant in the general population is higher than would generally be expected for pathogenic variants in this gene. Computational tools yielded predictions that this variant is unlikely to have an effect on normal RNA splicing. This nucleotide position exhibits low evolutionary conservation. This variant has been seen where an alternate explanation for disease was also identified.

Blueprint Genetics
Classification: Likely benign. Last evaluated: 2022-09-21. Review status: criteria provided, single submitter. Criteria: ACMG Guidelines, 2015. Collection method: clinical testing. Allele origin: germline.